The following is an entry in ClinVar:

NM_000179.3(MSH6):c.2400T>G (p.Val800=)

Gene: MSH6 (mutS homolog 6; plus strand). Cytogenetic location: 2p16.3.
Variant type: single nucleotide variant.
Coding change: c.2400T>G on transcript NM_000179.3 (MANE Select); coding-DNA position 2400, T replaced by G.
Protein change: p.Val800=; no amino-acid change (valine 800 retained).
Molecular consequence: synonymous variant.
Genome position (GRCh38, 1-based): chr2:47,800,383, T>G. VCF-style: chr2-47800383-T-G. GRCh37 (hg19) VCF-style: chr2-48027522-T-G.
Other names: c.2010T>G, p.Val670= (NM_001281492.2); c.1494T>G, p.Val498= (NM_001281493.2, NM_001281494.2).
Identifiers: ClinVar variation 382446 (VCV000382446.13), dbSNP rs267608071, ClinGen allele CA16604322.

ClinVar aggregate classification (germline): Likely benign. Review status: criteria provided, multiple submitters, no conflicts (2 of 4 stars). 4 submissions from 4 submitters: Likely benign (4). Last evaluated 2024-06-09.

Conditions:
Hereditary nonpolyposis colorectal neoplasms. Identifiers: MedGen C0009405, MeSH D003123.
Hereditary cancer-predisposing syndrome. Also called: Tumor predisposition; Hereditary neoplastic syndrome; Neoplastic Syndromes, Hereditary; Hereditary Cancer Syndrome. Identifiers: Orphanet 140162, MedGen C0027672, MeSH D009386, MONDO:0015356.

Submissions (4):

Labcorp Genetics (formerly Invitae), Labcorp
Classification: Likely benign for Hereditary nonpolyposis colorectal neoplasms. Last evaluated: 2024-06-09. Review status: criteria provided, single submitter. Criteria: Invitae Variant Classification Sherloc (09022015). Collection method: clinical testing. Allele origin: germline.

Ambry Genetics
Classification: Likely benign for Hereditary cancer-predisposing syndrome. Last evaluated: 2021-03-03. Review status: criteria provided, single submitter. Criteria: Ambry Variant Classification Scheme 2023. Collection method: clinical testing. Allele origin: germline.

Color Diagnostics, LLC DBA Color Health
Classification: Likely benign for Hereditary cancer-predisposing syndrome. Last evaluated: 2020-01-13. Review status: criteria provided, single submitter. Criteria: ACMG Guidelines, 2015. Collection method: clinical testing. Allele origin: germline.

GeneDx
Classification: Likely benign. Last evaluated: 2015-12-20. Review status: criteria provided, single submitter. Criteria: GeneDx Variant Classification (06012015). Collection method: clinical testing. Allele origin: germline. Affected: yes.
Comment: This variant is considered likely benign or benign based on one or more of the following criteria: it is a conservative change, it occurs at a poorly conserved position in the protein, it is predicted to be benign by multiple in silico algorithms, and/or has population frequency not consistent with disease.